The following is an entry in ClinVar:

ClinVar aggregate classification (germline): Conflicting classifications of pathogenicity. Review status: criteria provided, conflicting classifications (1 of 4 stars). 4 submissions from 4 submitters: Uncertain significance (1); Likely benign (2). 1 of the submissions does not count toward it. Last evaluated 2023-07-22.

Conditions:
JAG1-related disorder. Also called: JAG1-related disorders; JAG1-related condition.
Cardiovascular phenotype. Identifiers: MedGen CN230736.
Alagille syndrome due to a JAG1 point mutation. Also called: HEPATIC DUCTULAR HYPOPLASIA, SYNDROMATIC; JAG1-Related Alagille Syndrome; Alagille Syndrome 1. Identifiers: Orphanet 261619, Orphanet 52, MedGen C1956125, MONDO:0016862, OMIM 118450.

Allele frequency attached by ClinVar (database versions not stated): gnomAD 0.00009 and 0.00007; ExAC 0.00001; TOPMed 0.00012; gnomAD exomes below 0.00001.
gnomAD v4.1: 18 of 1,606,652 alleles (0.0011%); highest among the groups gnomAD compares: African/African-American, 0.015%; no homozygotes.

Submissions (4):

Labcorp Genetics (formerly Invitae), Labcorp
Classification: Likely benign for Alagille syndrome due to a JAG1 point mutation. Last evaluated: 2023-07-22. Review status: criteria provided, single submitter. Criteria: Invitae Variant Classification Sherloc (09022015). Collection method: clinical testing. Allele origin: germline.

Ambry Genetics
Classification: Likely benign for Cardiovascular phenotype. Last evaluated: 2022-02-17. Review status: criteria provided, single submitter. Criteria: Ambry Variant Classification Scheme 2023. Collection method: clinical testing. Allele origin: germline.

Eurofins Ntd Llc (ga)
Classification: Uncertain significance. Last evaluated: 2017-03-10. Review status: criteria provided, single submitter. Criteria: EGL Classification Definitions 2015. Collection method: clinical testing. Allele origin: germline. Observed: 1 variant allele, 1 heterozygote.

PreventionGenetics, part of Exact Sciences
Classification: Likely benign for JAG1-related condition. Last evaluated: 2024-08-05. Review status: no assertion criteria provided. Collection method: clinical testing. Allele origin: germline. Not counted in ClinVar's aggregate classification.
Comment: This variant is classified as likely benign based on ACMG/AMP sequence variant interpretation guidelines (Richards et al. 2015 PMID: 25741868, with internal and published modifications).

NM_000214.3(JAG1):c.1335G>A (p.Gln445=)

Gene: JAG1 (jagged canonical Notch ligand 1; minus strand). Cytogenetic location: 20p12.2.
Variant type: single nucleotide variant.
Coding change: c.1335G>A on transcript NM_000214.3 (MANE Select); coding-DNA position 1335, G replaced by A.
Protein change: p.Gln445=; no amino-acid change (glutamine 445 retained).
Molecular consequence: synonymous variant.
Genome position (GRCh38, 1-based): chr20:10,649,535, C>T on the plus strand (G>A on the coding strand, the complement: JAG1 is on the minus strand). VCF-style: chr20-10649535-C-T. GRCh37 (hg19) VCF-style: chr20-10630183-C-T.
Other names: c.1335G>A, p.Gln445= (LRG_1191t1).
Identifiers: ClinVar variation 500797 (VCV000500797.16), dbSNP rs759545669, ClinGen allele CA9764915.